The following is an entry in ClinVar:

NM_201253.3(CRB1):c.4000G>A (p.Val1334Met)

Gene: CRB1 (crumbs cell polarity complex component 1; plus strand). Cytogenetic location: 1q31.3.
Variant type: single nucleotide variant.
Coding change: c.4000G>A on transcript NM_201253.3 (MANE Select); coding-DNA position 4000, G replaced by A.
Protein change: p.Val1334Met; replaces valine 1334 with methionine.
Molecular consequence: missense variant. On other transcripts: non-coding transcript variant (2).
Genome position (GRCh38, 1-based): chr1:197,442,287, G>A. VCF-style: chr1-197442287-G-A. GRCh37 (hg19) VCF-style: chr1-197411417-G-A.
Other names: c.3664G>A, p.Val1222Met (NM_001193640.2); c.3928G>A, p.Val1310Met (NM_001257965.2); c.2392G>A, p.Val798Met (NM_001257966.2); short protein forms V1222M, V1310M, V1334M, V798M.
Identifiers: ClinVar variation 1006926 (VCV001006926.7), dbSNP rs754862028, ClinGen allele CA344052745.

ClinVar aggregate classification (germline): Uncertain significance. Review status: criteria provided, single submitter (1 of 4 stars). 2 submissions from 2 submitters: Uncertain significance (1). 1 of the submissions does not count toward it. Last evaluated 2022-10-17.

Conditions:
Retinitis pigmentosa 12 (RP12). Also called: RP WITH OR WITHOUT PPRPE; RP WITH OR WITHOUT PRESERVED PARAARTERIOLE RETINAL PIGMENT EPITHELIUM; RETINITIS PIGMENTOSA WITH OR WITHOUT PARAARTERIOLAR PRESERVATION OF RETINAL PIGMENT EPITHELIUM. Identifiers: Orphanet 791, MedGen C1838647, MONDO:0010818, OMIM 600105.
Leber congenital amaurosis 8 (LCA8). Identifiers: Orphanet 65, MedGen C3151202, MONDO:0013453, OMIM 613835.
Leber congenital amaurosis (LCA). Also called: Leber's amaurosis. Identifiers: Orphanet 65, MedGen C0339527, MeSH D057130, MONDO:0018998.

Allele frequency attached by ClinVar (database versions not stated): gnomAD 0.00001; TOPMed 0.00002.
gnomAD v4.1: 8 of 1,614,062 alleles (0.0005%); highest among the groups gnomAD compares: Admixed American, 0.013%; no homozygotes.

Submissions (2):

Labcorp Genetics (formerly Invitae), Labcorp
Classification: Uncertain significance for Leber congenital amaurosis 8; Retinitis pigmentosa 12. Last evaluated: 2022-10-17. Review status: criteria provided, single submitter. Criteria: Invitae Variant Classification Sherloc (09022015). Collection method: clinical testing. Allele origin: germline.
Comment: This sequence change replaces valine, which is neutral and non-polar, with methionine, which is neutral and non-polar, at codon 1334 of the CRB1 protein (p.Val1334Met). This variant is present in population databases (no rsID available, gnomAD 0.009%). This variant has not been reported in the literature in individuals affected with CRB1-related conditions. ClinVar contains an entry for this variant (Variation ID: 1006926). Advanced modeling of protein sequence and biophysical properties (such as structural, functional, and spatial information, amino acid conservation, physicochemical variation, residue mobility, and thermodynamic stability) performed at Invitae indicates that this missense variant is not expected to disrupt CRB1 protein function. In summary, the available evidence is currently insufficient to determine the role of this variant in disease. Therefore, it has been classified as a Variant of Uncertain Significance.

Natera, Inc.
Classification: Uncertain significance for Leber congenital amaurosis. Last evaluated: 2020-01-17. Review status: no assertion criteria provided. Collection method: clinical testing. Allele origin: germline. Not counted in ClinVar's aggregate classification.